The following is an entry in ClinVar:

ClinVar aggregate classification (germline): Uncertain significance (1 of 4 stars; one submission).

gnomAD v4.1: 3 of 1,551,684 alleles (0.00019%); highest among the groups gnomAD compares: Non-Finnish European, 0.00026%; no homozygotes.

Submission:

Labcorp Genetics (formerly Invitae), Labcorp
Classification: Uncertain significance. Last evaluated: 2024-06-10. Review status: criteria provided, single submitter. Criteria: Invitae Variant Classification Sherloc (09022015). Collection method: clinical testing. Allele origin: germline.
Comment: This sequence change replaces cysteine, which is neutral and slightly polar, with arginine, which is basic and polar, at codon 1378 of the TET2 protein (p.Cys1378Arg). This variant is not present in population databases (gnomAD no frequency). This variant has not been reported in the literature in individuals affected with TET2-related conditions. An algorithm developed to predict the effect of missense changes on protein structure and function (PolyPhen-2) suggests that this variant is likely to be disruptive. In summary, the available evidence is currently insufficient to determine the role of this variant in disease. Therefore, it has been classified as a Variant of Uncertain Significance.

NM_001127208.3(TET2):c.4132T>C (p.Cys1378Arg)

Genes: TET2 (tet methylcytosine dioxygenase 2; plus strand), TET2-AS1 (TET2 antisense RNA 1; minus strand). Cytogenetic location: 4q24.
Variant type: single nucleotide variant.
Coding change: c.4132T>C on transcript NM_001127208.3 (MANE Select); coding-DNA position 4132, T replaced by C.
Protein change: p.Cys1378Arg; replaces cysteine 1378 with arginine.
Molecular consequence: missense variant.
Genome position (GRCh38, 1-based): chr4:105,269,697, T>C. VCF-style: chr4-105269697-T-C. GRCh37 (hg19) VCF-style: chr4-106190854-T-C.
Other names: short protein forms C1378R.
Identifiers: ClinVar variation 3711261 (VCV003711261.2).